The following is an entry in ClinVar:

NM_024733.5(ZNF665):c.1911T>G (p.Val637=)

Gene: ZNF665 (zinc finger protein 665; minus strand). Cytogenetic location: 19q13.42.
Variant type: single nucleotide variant.
Coding change: c.1911T>G on transcript NM_024733.5 (MANE Select); coding-DNA position 1911, T replaced by G.
Protein change: p.Val637=; no amino-acid change (valine 637 retained).
Molecular consequence: synonymous variant.
Genome position (GRCh38, 1-based): chr19:53,164,579, A>C on the plus strand (T>G on the coding strand, the complement: ZNF665 is on the minus strand). VCF-style: chr19-53164579-A-C. GRCh37 (hg19) VCF-style: chr19-53667832-A-C.
Other names: c.1905T>G, p.Val635= (NM_001353457.2); c.1995T>G, p.Val665= (NM_001353458.2); c.1911T>G, p.Val637= (NM_001353459.2).
Identifiers: ClinVar variation 3026254 (VCV003026254.22), dbSNP rs755709236, ClinGen allele CA9631780.

ClinVar aggregate classification (germline): Likely benign (1 of 4 stars; one submission).

Allele frequency attached by ClinVar (database versions not stated): ExAC 0.00004; gnomAD 0.00009.

Submission:

CeGaT Center for Human Genetics Tuebingen
Classification: Likely benign. Last evaluated: 2024-03-01. Review status: criteria provided, single submitter. Criteria: CeGaT Center For Human Genetics Tuebingen Variant Classification Criteria Version 2. Collection method: clinical testing. Allele origin: germline. Affected: yes. Observed: 1 variant allele.
Comment: ZNF665: BP4, BP7